The following is an entry in ClinVar:

ClinVar aggregate classification (germline): Uncertain significance. Review status: criteria provided, multiple submitters, no conflicts (2 of 4 stars). 2 submissions from 2 submitters: Uncertain significance (2). Last evaluated 2024-05-16.

Conditions:
Hereditary cancer-predisposing syndrome. Also called: Neoplastic Syndromes, Hereditary; Tumor predisposition; Hereditary Cancer Syndrome; Hereditary neoplastic syndrome. Identifiers: Orphanet 140162, MedGen C0027672, MeSH D009386, MONDO:0015356.
Cardiovascular phenotype. Identifiers: MedGen CN230736.

Submissions (2):

GeneDx
Classification: Uncertain significance. Last evaluated: 2024-05-16. Review status: criteria provided, single submitter. Criteria: GeneDx Variant Classification Process June 2021. Collection method: clinical testing. Allele origin: germline. Affected: yes.
Comment: Not observed at significant frequency in large population cohorts (gnomAD); In silico analysis supports that this missense variant has a deleterious effect on protein structure/function; Has not been previously published as pathogenic or benign to our knowledge

Ambry Genetics
Classification: Uncertain significance for Cardiovascular phenotype; Hereditary cancer-predisposing syndrome. Last evaluated: 2022-01-31. Review status: criteria provided, single submitter. Criteria: Ambry Variant Classification Scheme 2023. Collection method: clinical testing. Allele origin: germline.
Comment: The p.D654A variant (also known as c.1961A>C), located in coding exon 17 of the LZTR1 gene, results from an A to C substitution at nucleotide position 1961. The aspartic acid at codon 654 is replaced by alanine, an amino acid with dissimilar properties. This amino acid position is conserved. In addition, the in silico prediction for this alteration is inconclusive. Since supporting evidence is limited at this time, the clinical significance of this alteration remains unclear.

NM_006767.4(LZTR1):c.1961A>C (p.Asp654Ala)

Gene: LZTR1 (leucine zipper like post translational regulator 1; plus strand). Cytogenetic location: 22q11.21.
Variant type: single nucleotide variant.
Coding change: c.1961A>C on transcript NM_006767.4 (MANE Select); coding-DNA position 1961, A replaced by C.
Protein change: p.Asp654Ala; replaces aspartic acid 654 with alanine.
Molecular consequence: missense variant.
Genome position (GRCh38, 1-based): chr22:20,995,764, A>C. VCF-style: chr22-20995764-A-C. GRCh37 (hg19) VCF-style: chr22-21350053-A-C.
Other names: short protein forms D654A.
Identifiers: ClinVar variation 1783436 (VCV001783436.3), dbSNP rs2518623785, ClinGen allele CA410778959.